The following is an entry in ClinVar:

ClinVar aggregate classification (germline): Benign (1 of 4 stars; one submission).

Conditions:
Familial colorectal cancer type X. Identifiers: Orphanet 440437, MedGen C3896578, MONDO:0018604.

gnomAD v4.1: 1 of 1,551,476 alleles (0.000064%); highest among the groups gnomAD compares: African/African-American, 0.0014%; no homozygotes.

Submission:

Myriad Genetics, Inc.
Classification: Benign for Familial colorectal cancer type X. Last evaluated: 2026-08-05. Review status: criteria provided, single submitter. Criteria: Myriad Autosomal Dominant, Autosomal Recessive and X-Linked Classification Criteria (2023). Collection method: clinical testing. Allele origin: unknown.
Comment: This variant is considered benign. This variant occurs in the non-coding 3' untranslated region of the gene, and is not expected to impact protein function.

NM_001146227.3(RPS20):c.*2T>C

Gene: RPS20 (ribosomal protein S20; minus strand). Cytogenetic location: 8q12.1.
Variant type: single nucleotide variant.
Coding change: c.*2T>C on transcript NM_001146227.3; 2 bases downstream of the stop codon, T replaced by C.
Molecular consequence: 3 prime UTR variant.
Genome position (GRCh38, 1-based): chr8:56,069,736, A>G on the plus strand (T>C on the coding strand, the complement: RPS20 is on the minus strand). VCF-style: chr8-56069736-A-G. GRCh37 (hg19) VCF-style: chr8-56982295-A-G.
Identifiers: ClinVar variation 5042329 (VCV005042329.1).